The following is an entry in ClinVar:

ClinVar aggregate classification (germline): Pathogenic/Likely pathogenic. Review status: criteria provided, multiple submitters, no conflicts (2 of 4 stars). 2 submissions from 2 submitters: Pathogenic (1); Likely pathogenic (1). Last evaluated 2023-07-11.

Conditions:
Adams-Oliver syndrome 2 (AOS2). Identifiers: Orphanet 974, MedGen C3280182, MONDO:0013635, OMIM 614219.
DOCK6-related disorder. Also called: DOCK6-related condition.

Submissions (2):

PreventionGenetics, part of Exact Sciences
Classification: Pathogenic for DOCK6-related condition. Last evaluated: 2023-07-11. Review status: criteria provided, single submitter. Criteria: ACMG Guidelines, 2015. Collection method: clinical testing. Allele origin: germline.
Comment: The DOCK6 c.3180delC variant is predicted to result in a frameshift and premature protein termination (p.Cys1061Alafs*33). To our knowledge, this variant has not been reported in the literature or in a large population database, indicating this variant is rare. Frameshift variants in DOCK6 are expected to be pathogenic. This variant is interpreted as pathogenic.

Women's Health and Genetics/Laboratory Corporation of America, LabCorp
Classification: Likely pathogenic for Adams-Oliver syndrome 2. Last evaluated: 2023-02-25. Review status: criteria provided, single submitter. Criteria: LabCorp Variant Classification Summary - May 2015. Collection method: clinical testing. Allele origin: germline.
Comment: Variant summary: DOCK6 c.3180delC (p.Cys1061AlafsX33) results in a premature termination codon, predicted to cause a truncation of the encoded protein or absence of the protein due to nonsense mediated decay, which are commonly known mechanisms for disease. Truncations downstream of this position have been classified as pathogenic within ClinVar (e.g. c.3190_3191del [p.Leu1064fs], c.4012C>T [p.Arg1338Ter]). The variant was absent in 205698 control chromosomes (gnomAD). To our knowledge, no occurrence of c.3180delC in individuals affected with Adams-Oliver Syndrome 2 and no experimental evidence demonstrating its impact on protein function have been reported. No clinical diagnostic laboratories have submitted clinical-significance assessments for this variant to ClinVar after 2014. Based on the evidence outlined above, the variant was classified as likely pathogenic.

NM_020812.4(DOCK6):c.3180del (p.Cys1061fs)

Gene: DOCK6 (dedicator of cytokinesis 6; minus strand). Cytogenetic location: 19p13.2.
Variant type: Deletion.
Coding change: c.3180del on transcript NM_020812.4 (MANE Select); coding-DNA position 3180, one base deleted (C; older notation c.3180delC).
Protein change: p.Cys1061fs; shifts the reading frame from cysteine 1061.
Molecular consequence: frameshift variant.
Genome position (GRCh38, 1-based): chr19:11,222,795, G deleted on the plus strand (C on the coding strand, the reverse complement: DOCK6 is on the minus strand); the first of 4 consecutive G bases (chr19:11,222,795-11,222,798); deleting any one gives the same sequence. VCF-style (leftmost placement, unchanged base first): chr19-11222794-AG-A. GRCh37 (hg19) VCF-style: chr19-11333470-AG-A.
Other names: c.3285del, p.Cys1096fs (NM_001367830.1); c.3180delC (NM_020812.3); short protein forms C1061fs, C1096fs.
Identifiers: ClinVar variation 2445975 (VCV002445975.2), dbSNP rs2513039217, ClinGen allele CA2580096443.